The following is an entry in ClinVar:

ClinVar aggregate classification (germline): Conflicting classifications of pathogenicity. Review status: criteria provided, conflicting classifications (1 of 4 stars). 2 submissions from 1 submitter: Pathogenic (1); Uncertain significance (1). Last evaluated 2023-05-22.

Conditions:
RASopathy. Also called: rasopathies; Noonan spectrum disorder. Identifiers: Orphanet 536391, MedGen C5555857, MONDO:0021060.
Dilated cardiomyopathy 1DD (CMD1DD). Identifiers: Orphanet 154, MedGen C2750995, MONDO:0013168, OMIM 613172.

Submissions (2):

Labcorp Genetics (formerly Invitae), Labcorp
Classification: Uncertain significance for Dilated cardiomyopathy 1DD. Last evaluated: 2023-05-22. Review status: criteria provided, single submitter. Criteria: Invitae Variant Classification Sherloc (09022015). Collection method: clinical testing. Allele origin: germline.
Comment: In summary, the available evidence is currently insufficient to determine the role of this variant in disease. Therefore, it has been classified as a Variant of Uncertain Significance. This variant has not been reported in the literature in individuals affected with RBM20-related conditions. A copy number gain of the genomic region encompassing the full coding sequence of the RBM20 gene has been identified. The boundaries of this event are unknown as they extend beyond the assayed region for this gene and therefore may encompass additional genes. As the precise location of this event is unknown, it may be in tandem or it may be located elsewhere in the genome.

Labcorp Genetics (formerly Invitae), Labcorp
Classification: Pathogenic for RASopathy. Last evaluated: 2023-05-22. Review status: criteria provided, single submitter. Criteria: Invitae Variant Classification Sherloc (09022015). Collection method: clinical testing. Allele origin: unknown.
Comment: For these reasons, this variant has been classified as Pathogenic. A similar copy number variant has been observed in individual(s) with SHOC2-related conditions (Invitae). In at least one individual the variant was observed to be de novo. A copy number gain of the genomic region encompassing the full coding sequence of the SHOC2 gene has been identified. The boundaries of this event are unknown as they extend beyond the assayed region for this gene and therefore may encompass additional genes. As the precise location of this event is unknown, it may be in tandem or it may be located elsewhere in the genome.

NC_000010.10:g.(?_112404213)_(112771576_?)dup

Genes: BBIP1 (BBSome interacting protein 1; minus strand), PDCD4 (programmed cell death 4; plus strand), SHOC2 (SHOC2 leucine rich repeat scaffold protein; plus strand), RBM20 (RNA binding motif protein 20; plus strand). Cytogenetic location: 10q25.2.
Variant type: Duplication.
Identifiers: ClinVar variation 2423797 (VCV002423797.5).